The following is an entry in ClinVar:

ClinVar aggregate classification (germline): Benign (1 of 4 stars; one submission).

Conditions:
Breast-ovarian cancer, familial, susceptibility to, 3. Also called: RAD51C-Related Breast/Ovarian Cancer. Identifiers: Orphanet 145, MedGen C3150659, MONDO:0013253, OMIM 613399.

Submission:

Myriad Genetics, Inc.
Classification: Benign for Breast-ovarian cancer, familial, susceptibility to, 3. Last evaluated: 2025-02-19. Review status: criteria provided, single submitter. Criteria: Myriad Autosomal Dominant, Autosomal Recessive and X-Linked Classification Criteria (2023). Collection method: clinical testing. Allele origin: unknown.
Comment: This variant is considered benign. This variant is a silent/synonymous amino acid change and it is not expected to impact splicing.

NM_058216.3(RAD51C):c.937C>T (p.Leu313=)

Gene: RAD51C (RAD51 paralog C; plus strand). Cytogenetic location: 17q22.
Variant type: single nucleotide variant.
Coding change: c.937C>T on transcript NM_058216.3 (MANE Select); coding-DNA position 937, C replaced by T.
Protein change: p.Leu313=; no amino-acid change (leucine 313 retained).
Molecular consequence: synonymous variant. On other transcripts: non-coding transcript variant (1).
Genome position (GRCh38, 1-based): chr17:58,724,072, C>T. VCF-style: chr17-58724072-C-T. GRCh37 (hg19) VCF-style: chr17-56801433-C-T.
Identifiers: ClinVar variation 3903791 (VCV003903791.1).
Genomic context (GRCh38, chr17:58,724,072, plus strand): 5'-ATACAGTTATTATGTTTTTTACTCTCAGGGGAAAGTTGGGGACATGCTGCTACAATACGG[C>T]TAATCTTTCATTGGGACCGAAAGCAAAGGTCAGTACAGAAACAAGTTAATAACTCCGAAT-3'
Protein context (NP_478123.1, residues 303-323): ESWGHAATIR[Leu313=]IFHWDRKQRL